The following is an entry in ClinVar:

NM_000219.6(KCNE1):c.367C>A (p.Pro123Thr)

Gene: KCNE1 (potassium voltage-gated channel subfamily E regulatory subunit 1; minus strand). Cytogenetic location: 21q22.12.
Variant type: single nucleotide variant.
Coding change: c.367C>A on transcript NM_000219.6 (MANE Select); coding-DNA position 367, C replaced by A.
Protein change: p.Pro123Thr; replaces proline 123 with threonine.
Molecular consequence: missense variant.
Genome position (GRCh38, 1-based): chr21:34,449,268, G>T on the plus strand (C>A on the coding strand, the complement: KCNE1 is on the minus strand). VCF-style: chr21-34449268-G-T. GRCh37 (hg19) VCF-style: chr21-35821566-G-T.
Other names: c.367C>A, p.Pro123Thr (NM_001127668.4, NM_001127669.4, NM_001127670.4 and 4 more transcripts); short protein forms P123T.
Identifiers: ClinVar variation 3373832 (VCV003373832.2).

Conditions:
Long QT syndrome 5 (LQT5). Identifiers: Orphanet 101016, Orphanet 768, MedGen C1867904, MONDO:0013372, OMIM 613695.

Submission:

Roden Lab, Vanderbilt University Medical Center
No classification provided (evidence only). Condition: Long QT syndrome 5. Review status: no classification provided. Collection method: in vitro. Allele origin: not applicable. Functional consequence: Effect on ion channel function.
ClinVar note: "not provided" was previously submitted as the classification for the variant. However, the classification appeared to be based only on an observation of functional data so it was converted to no classification on 2025-07-30.